The following is an entry in ClinVar:

NM_001127898.4(CLCN5):c.1088G>A (p.Arg363His)

Gene: CLCN5 (Cl-/H+ antiporter 5; plus strand). Cytogenetic location: Xp11.23.
Variant type: single nucleotide variant.
Coding change: c.1088G>A on transcript NM_001127898.4 (MANE Select); coding-DNA position 1088, G replaced by A.
Protein change: p.Arg363His; replaces arginine 363 with histidine.
Molecular consequence: missense variant. On other transcripts: non-coding transcript variant (1).
Genome position (GRCh38, 1-based): chrX:50,086,401, G>A. VCF-style: chrX-50086401-G-A. GRCh37 (hg19) VCF-style: chrX-49851058-G-A.
Other names: c.878G>A, p.Arg293His (NM_000084.5); c.1088G>A, p.Arg363His (NM_001127899.4); c.938G>A, p.Arg313His (NM_001282163.2); c.1100G>A, p.Arg367His (NM_001440756.1, NM_001440757.1); short protein forms R293H, R313H, R363H, R367H.
Identifiers: ClinVar variation 4875182 (VCV004875182.2).

ClinVar aggregate classification (germline): Uncertain significance (1 of 4 stars; one submission).

Submission:

CeGaT Center for Human Genetics Tuebingen
Classification: Uncertain significance. Last evaluated: 2026-06-01. Review status: criteria provided, single submitter. Criteria: CeGaT Center For Human Genetics Tuebingen Variant Classification Criteria Version 2. Collection method: clinical testing. Allele origin: germline. Affected: yes. Observed: 1 variant allele.
Comment: CLCN5: PM2, PP3